The following is an entry in ClinVar:

NM_152424.4(AMER1):c.571G>T (p.Glu191Ter)

Gene: AMER1 (APC membrane recruitment protein 1; minus strand). Cytogenetic location: Xq11.2.
Variant type: single nucleotide variant.
Coding change: c.571G>T on transcript NM_152424.4 (MANE Select); coding-DNA position 571, G replaced by T.
Protein change: p.Glu191Ter; replaces glutamic acid 191 with a stop codon.
Molecular consequence: nonsense.
Genome position (GRCh38, 1-based): chrX:64,192,716, C>A on the plus strand (G>T on the coding strand, the complement: AMER1 is on the minus strand). VCF-style: chrX-64192716-C-A. GRCh37 (hg19) VCF-style: chrX-63412596-C-A.
Other names: short protein forms E191*.
Identifiers: ClinVar variation 379474 (VCV000379474.3), dbSNP rs1057520610, ClinGen allele CA16608547.
Genomic context (GRCh38, chrX:64,192,716, plus strand): 5'-CTGAGCTCACGTGCTCATGAGGCCTGGCTCTGACCCTCTCAGGCCCCTTGGCCCCTGGCT[C>A]ACTTTGCTCAGCCCCAGTGACCTTGCTCTTCCGGTGACGGCGGATACTGCTAAAAAAGCC-3'

ClinVar aggregate classification (germline): Pathogenic/Likely pathogenic. Review status: criteria provided, multiple submitters, no conflicts (2 of 4 stars). 2 submissions from 2 submitters: Pathogenic (1); Likely pathogenic (1). Last evaluated 2020-07-28.

Conditions:
AMER1-related disorder. Also called: AMER1-related condition.

Submissions (2):

Blueprint Genetics
Classification: Likely pathogenic for AMER1-related disorders. Last evaluated: 2020-07-28. Review status: criteria provided, single submitter. Criteria: ACMG Guidelines, 2015. Collection method: clinical testing. Allele origin: germline. Affected: yes. Observed: 1 variant allele.

GeneDx
Classification: Pathogenic. Last evaluated: 2015-04-16. Review status: criteria provided, single submitter. Criteria: GeneDx Variant Classification (06012015). Collection method: clinical testing. Allele origin: germline. Affected: yes.
Comment: The E191X variant in the AMER1 gene has not been reported previously as a pathogenic variantnor as a benign polymorphism, to our knowledge. This variant is predicted to cause loss of normal proteinfunction through protein truncation; it causes the deletion of the last 945 amino acids. The E191X variant was not observed in approximately 6500 individuals of European and African American ancestry in theNHLBI Exome Sequencing Project, indicating it is not a common benign variant in these populations. Weinterpret E191X as a pathogenic variant.